The following is an entry in ClinVar:

NM_003038.5(SLC1A4):c.1010C>T (p.Ala337Val)

Gene: SLC1A4 (solute carrier family 1 member 4; plus strand). Cytogenetic location: 2p14.
Variant type: single nucleotide variant.
Coding change: c.1010C>T on transcript NM_003038.5 (MANE Select); coding-DNA position 1010, C replaced by T.
Protein change: p.Ala337Val; replaces alanine 337 with valine.
Molecular consequence: missense variant. On other transcripts: intron variant (1).
Genome position (GRCh38, 1-based): chr2:65,016,649, C>T. VCF-style: chr2-65016649-C-T. GRCh37 (hg19) VCF-style: chr2-65243783-C-T.
Other names: c.350C>T, p.Ala117Val (NM_001348406.2, NM_001348407.2); c.141-1422C>T (NM_001193493.2); short protein forms A117V, A337V.
Identifiers: ClinVar variation 1904374 (VCV001904374.2), dbSNP rs748429918, ClinGen allele CA1686027.

ClinVar aggregate classification (germline): Uncertain significance (1 of 4 stars; one submission).

Allele frequency attached by ClinVar (database versions not stated): TOPMed 0.00002.
gnomAD v4.1: 9 of 1,614,054 alleles (0.00056%); highest among the groups gnomAD compares: Middle Eastern, 0.016%; no homozygotes.

Submission:

Labcorp Genetics (formerly Invitae), Labcorp
Classification: Uncertain significance. Last evaluated: 2022-08-01. Review status: criteria provided, single submitter. Criteria: Invitae Variant Classification Sherloc (09022015). Collection method: clinical testing. Allele origin: germline.
Comment: This sequence change replaces alanine, which is neutral and non-polar, with valine, which is neutral and non-polar, at codon 337 of the SLC1A4 protein (p.Ala337Val). This variant is present in population databases (rs748429918, gnomAD 0.009%). This variant has not been reported in the literature in individuals affected with SLC1A4-related conditions. Algorithms developed to predict the effect of missense changes on protein structure and function are either unavailable or do not agree on the potential impact of this missense change (SIFT: "Deleterious"; PolyPhen-2: "Possibly Damaging"; Align-GVGD: "Class C0"). In summary, the available evidence is currently insufficient to determine the role of this variant in disease. Therefore, it has been classified as a Variant of Uncertain Significance.